The following is an entry in ClinVar:

NM_000090.4(COL3A1):c.1789G>A (p.Gly597Ser)

Gene: COL3A1 (collagen type III alpha 1 chain; plus strand). Cytogenetic location: 2q32.2.
Variant type: single nucleotide variant.
Coding change: c.1789G>A on transcript NM_000090.4 (MANE Select); coding-DNA position 1789, G replaced by A.
Protein change: p.Gly597Ser; replaces glycine 597 with serine.
Molecular consequence: missense variant.
Genome position (GRCh38, 1-based): chr2:188,997,192, G>A. VCF-style: chr2-188997192-G-A. GRCh37 (hg19) VCF-style: chr2-189861918-G-A.
Other names: short protein forms G597S.
Identifiers: ClinVar variation 2003709 (VCV002003709.4), dbSNP rs2469137695, ClinGen allele CA349853263.
Genomic context (GRCh38, chr2:188,997,192, plus strand): 5'-AGGATTAGTAAATACCGACCACTTCTTCTTTAGGGTGCTCCTGGTAAGAATGGAGAACGA[G>A]GTGGCCCTGGAGGACCTGGCCCTCAGGTACGTAGCTTTCCTCAATTTATTTCTAGCCTTC-3'
Protein context (NP_000081.2, residues 587-607): DGAPGKNGER[Gly597Ser]GPGGPGPQGP

ClinVar aggregate classification (germline): Likely pathogenic (1 of 4 stars; one submission).

Conditions:
Ehlers-Danlos syndrome, type 4 (EDSVASC). Also called: Ehlers-Danlos syndrome vascular type; Ehlers Danlos syndrome, ecchymotic type; Ehlers Danlos syndrome, arterial type; Ehlers Danlos syndrome, Sack-Barabas type; Ehlers-Danlos Syndrome Type IV. Identifiers: Orphanet 286, MedGen C0268338, MONDO:0017314, OMIM 130050.

Submission:

Labcorp Genetics (formerly Invitae), Labcorp
Classification: Likely pathogenic for Ehlers-Danlos syndrome, type 4. Last evaluated: 2022-09-04. Review status: criteria provided, single submitter. Criteria: Invitae Variant Classification Sherloc (09022015). Collection method: clinical testing. Allele origin: germline.
Comment: In summary, the currently available evidence indicates that the variant is pathogenic, but additional data are needed to prove that conclusively. Therefore, this variant has been classified as Likely Pathogenic. This variant disrupts the triple helix domain of COL3A1. Glycine residues within the Gly-Xaa-Yaa repeats of the triple helix domain are required for the structure and stability of fibrillar collagens (PMID: 7695699, 8218237, 19344236). In COL3A1, variants that affect these glycine residues are significantly enriched in individuals with disease (PMID: 24922459, 25758994) compared to the general population (ExAC). Advanced modeling of protein sequence and biophysical properties (such as structural, functional, and spatial information, amino acid conservation, physicochemical variation, residue mobility, and thermodynamic stability) performed at Invitae indicates that this missense variant is expected to disrupt COL3A1 protein function. This variant has not been reported in the literature in individuals affected with COL3A1-related conditions. This variant is not present in population databases (gnomAD no frequency). This sequence change replaces glycine, which is neutral and non-polar, with serine, which is neutral and polar, at codon 597 of the COL3A1 protein (p.Gly597Ser).

Literature cited by the submitters: PubMed 7695699; PubMed 8218237; PubMed 19344236; PubMed 24922459; PubMed 25758994.